The following is an entry in ClinVar:

NC_000004.11:g.(?_178351918)_(178357515_?)del

Gene: AGA (aspartylglucosaminidase; minus strand). Cytogenetic location: 4q34.3.
Variant type: Deletion.
Identifiers: ClinVar variation 2422152 (VCV002422152.4).

ClinVar aggregate classification (germline): Pathogenic (1 of 4 stars; one submission).

Conditions:
Aspartylglucosaminuria (AGU). Also called: GLYCOASPARAGINASE; GLYCOSYLASPARAGINASE DEFICIENCY; AGA DEFICIENCY; Aspartylglucos-aminuria; Aspartylglucos-amidase (AGA) deficiency. Identifiers: Orphanet 93, MedGen C0268225, MONDO:0008830, OMIM 208400, HP:0012068.

Submission:

Labcorp Genetics (formerly Invitae), Labcorp
Classification: Pathogenic for Aspartylglucosaminuria. Last evaluated: 2022-02-22. Review status: criteria provided, single submitter. Criteria: Invitae Variant Classification Sherloc (09022015). Collection method: clinical testing. Allele origin: germline.
Comment: This variant is a gross deletion of the genomic region encompassing exon(s) 6-9 of the AGA gene, which includes the termination codon. This deletion extends beyond the assayed region for this gene and therefore may encompass additional genes. While this deletion is not anticipated to lead to nonsense mediated decay, it is expected to alter mRNA translation or result in a truncated protein product. For these reasons, this variant has been classified as Pathogenic. This variant disrupts a region of the AGA protein in which other variant(s) (p.Gly226Asp) have been determined to be pathogenic (PMID: 10399108, 11309371, 29930972). This suggests that this is a clinically significant region of the protein, and that variants that disrupt it are likely to be disease-causing. This variant has not been reported in the literature in individuals affected with AGA-related conditions.

Literature cited by the submitters: PubMed 10399108; PubMed 11309371; PubMed 29930972.